The following is an entry in ClinVar:

ClinVar aggregate classification (germline): Uncertain significance (1 of 4 stars; one submission).

Conditions:
Nephronophthisis. Also called: Juvenile Nephronophthisis. Identifiers: Orphanet 655, MedGen C0687120, MONDO:0019005, HP:0000090.

Allele frequency attached by ClinVar (database versions not stated): gnomAD exomes below 0.00001.
gnomAD v4.1: 1 of 1,613,884 alleles (0.000062%); highest among the groups gnomAD compares: Non-Finnish European, 0.000085%; no homozygotes.

Submission:

Labcorp Genetics (formerly Invitae), Labcorp
Classification: Uncertain significance for Nephronophthisis. Last evaluated: 2023-12-11. Review status: criteria provided, single submitter. Criteria: Invitae Variant Classification Sherloc (09022015). Collection method: clinical testing. Allele origin: germline.
Comment: This sequence change replaces isoleucine, which is neutral and non-polar, with threonine, which is neutral and polar, at codon 564 of the NPHP4 protein (p.Ile564Thr). This variant is not present in population databases (gnomAD no frequency). This variant has not been reported in the literature in individuals affected with NPHP4-related conditions. ClinVar contains an entry for this variant (Variation ID: 2108928). Advanced modeling of protein sequence and biophysical properties (such as structural, functional, and spatial information, amino acid conservation, physicochemical variation, residue mobility, and thermodynamic stability) performed at Invitae indicates that this missense variant is not expected to disrupt NPHP4 protein function with a negative predictive value of 80%. In summary, the available evidence is currently insufficient to determine the role of this variant in disease. Therefore, it has been classified as a Variant of Uncertain Significance.

NM_015102.5(NPHP4):c.1691T>C (p.Ile564Thr)

Gene: NPHP4 (nephrocystin 4; minus strand). Cytogenetic location: 1p36.31.
Variant type: single nucleotide variant.
Coding change: c.1691T>C on transcript NM_015102.5 (MANE Select); coding-DNA position 1691, T replaced by C.
Protein change: p.Ile564Thr; replaces isoleucine 564 with threonine.
Molecular consequence: missense variant. On other transcripts: non-coding transcript variant (1).
Genome position (GRCh38, 1-based): chr1:5,905,704, A>G on the plus strand (T>C on the coding strand, the complement: NPHP4 is on the minus strand). VCF-style: chr1-5905704-A-G. GRCh37 (hg19) VCF-style: chr1-5965764-A-G.
Other names: c.152T>C, p.Ile51Thr (NM_001291593.2); c.155T>C, p.Ile52Thr (NM_001291594.2); short protein forms I52T, I564T, I51T.
Identifiers: ClinVar variation 2108928 (VCV002108928.3), dbSNP rs2521520460, ClinGen allele CA338055363.